The following is an entry in ClinVar:

NM_003072.5(SMARCA4):c.684_707dup (p.229GP[12])

Gene: SMARCA4 (SWI/SNF related BAF chromatin remodeling complex subunit ATPase 4; plus strand). Cytogenetic location: 19p13.2.
Variant type: Duplication.
Coding change: c.684_707dup on transcript NM_003072.5 (MANE Select); coding-DNA positions 684 to 707, 24 bases duplicated (AGGACCCGGCCCTGGCCCTGGCCC).
Protein change: p.229GP[12].
Molecular consequence: inframe insertion. On other transcripts: non-coding transcript variant (1).
Genome position (GRCh38, 1-based): chr19:10,986,517-10,986,540, AGGACCCGGCCCTGGCCCTGGCCC duplicated; duplicating any 24 consecutive bases within chr19:10,986,516-10,986,540 gives the same sequence; the c. name uses the placement nearest the transcript's 3' end. VCF-style (leftmost placement, unchanged base first): chr19-10986515-A-ACAGGACCCGGCCCTGGCCCTGGCC. GRCh37 (hg19) VCF-style: chr19-11097191-A-ACAGGACCCGGCCCTGGCCCTGGCC.
Other names: c.684_707dup, p.229GP[12] (NM_001128844.3, NM_001128845.2, NM_001128846.2 and 5 more transcripts); c.684_707dupAGGACCCGGCCCTGGCCCTGGCCC (NM_001128849.1).
Identifiers: ClinVar variation 1035037 (VCV001035037.7), dbSNP rs754049390, ClinGen allele CA9203542.

ClinVar aggregate classification (germline): Conflicting classifications of pathogenicity. Review status: criteria provided, conflicting classifications (1 of 4 stars). 2 submissions from 2 submitters: Uncertain significance (1); Benign (1). Last evaluated 2026-01-27.

Conditions:
Hereditary cancer-predisposing syndrome. Also called: Hereditary neoplastic syndrome; Neoplastic Syndromes, Hereditary; Tumor predisposition; Hereditary Cancer Syndrome. Identifiers: Orphanet 140162, MedGen C0027672, MeSH D009386, MONDO:0015356.
Rhabdoid tumor predisposition syndrome 2 (RTPS2). Identifiers: Orphanet 231108, Orphanet 69077, MedGen C2750074, MONDO:0013224, OMIM 613325.

Submissions (2):

Labcorp Genetics (formerly Invitae), Labcorp
Classification: Uncertain significance for Rhabdoid tumor predisposition syndrome 2. Last evaluated: 2026-01-27. Review status: criteria provided, single submitter. Criteria: Invitae Variant Classification Sherloc (09022015). Collection method: clinical testing. Allele origin: germline.
Comment: This variant, c.684_707dup, results in the insertion of 8 amino acid(s) of the SMARCA4 protein (p.Gly237_Pro244dup), but otherwise preserves the integrity of the reading frame. This variant is present in population databases (rs754049390, gnomAD 0.04%), and has an allele count higher than expected for a pathogenic variant. This variant has not been reported in the literature in individuals affected with SMARCA4-related conditions. ClinVar contains an entry for this variant (Variation ID: 1035037). In summary, the available evidence is currently insufficient to determine the role of this variant in disease. Therefore, it has been classified as a Variant of Uncertain Significance.

Ambry Genetics
Classification: Benign for Hereditary cancer-predisposing syndrome. Last evaluated: 2022-12-20. Review status: criteria provided, single submitter. Criteria: Ambry Variant Classification Scheme 2023. Collection method: clinical testing. Allele origin: germline.